The following is an entry in ClinVar:

NM_000537.4(REN):c.492+12C>T

Gene: REN (renin; minus strand). Cytogenetic location: 1q32.1.
Variant type: single nucleotide variant.
Coding change: c.492+12C>T on transcript NM_000537.4 (MANE Select); 12 bases into the intron after coding-DNA position 492, C replaced by T.
Molecular consequence: intron variant.
Genome position (GRCh38, 1-based): chr1:204,160,548, G>A on the plus strand (C>T on the coding strand, the complement: REN is on the minus strand). VCF-style: chr1-204160548-G-A. GRCh37 (hg19) VCF-style: chr1-204129676-G-A.
Identifiers: ClinVar variation 294958 (VCV000294958.10), dbSNP rs548625937, ClinGen allele CA1344926.

ClinVar aggregate classification (germline): Conflicting classifications of pathogenicity. Review status: criteria provided, conflicting classifications (1 of 4 stars). 3 submissions from 2 submitters: Uncertain significance (1); Benign (1); Likely benign (1). Last evaluated 2022-10-03.

Conditions:
Renal tubular dysgenesis. Also called: Renotubular dysgenesis. Identifiers: Orphanet 3033, MedGen C0266313, MONDO:0017609, HP:0008660.
Familial juvenile hyperuricemic nephropathy type 2 (ADTKD4). Also called: EARLY-ONSET HYPERURICEMIA, ANEMIA, AND PROGRESSIVE KIDNEY FAILURE; Autosomal Dominant Tubulointerstitial Kidney Disease – REN. Identifiers: Orphanet 217330, MedGen C2751310, MONDO:0013128, OMIM 613092.

Allele frequency attached by ClinVar (database versions not stated): gnomAD exomes 0.00003 and 0.00006; ExAC 0.00005; gnomAD 0.00006 and 0.00007; TOPMed 0.00007.
gnomAD v4.1: 100 of 1,586,914 alleles (0.0063%); highest among the groups gnomAD compares: Middle Eastern, 0.033%; no homozygotes.

Submissions (3):

Labcorp Genetics (formerly Invitae), Labcorp
Classification: Likely benign. Last evaluated: 2022-10-03. Review status: criteria provided, single submitter. Criteria: Invitae Variant Classification Sherloc (09022015). Collection method: clinical testing. Allele origin: germline.

Illumina Laboratory Services, Illumina
Classification: Uncertain significance for Renal tubular dysgenesis of genetic origin. Last evaluated: 2018-01-12. Review status: criteria provided, single submitter. Criteria: ICSL Variant Classification Criteria 13 December 2019. Collection method: clinical testing. Allele origin: germline.

Illumina Laboratory Services, Illumina
Classification: Benign for Familial juvenile hyperuricemic nephropathy type 2. Last evaluated: 2018-01-12. Review status: criteria provided, single submitter. Criteria: ICSL Variant Classification Criteria 13 December 2019. Collection method: clinical testing. Allele origin: germline.
Comment: This variant was observed in the ICSL laboratory as part of a predisposition screen in an ostensibly healthy population. It had not been previously curated by ICSL or reported in the Human Gene Mutation Database (HGMD: prior to June 1st, 2018), and was therefore a candidate for classification through an automated scoring system. Utilizing variant allele frequency, disease prevalence and penetrance estimates, and inheritance mode, an automated score was calculated to assess if this variant is too frequent to cause the disease. Based on the score and internal cut-off values, a variant classified as benign is not then subjected to further curation. The score for this variant resulted in a classification of benign for this disease.